The following is an entry in ClinVar:

ClinVar aggregate classification (germline): Uncertain significance. Review status: criteria provided, multiple submitters, no conflicts (2 of 4 stars). 2 submissions from 2 submitters: Uncertain significance (2). Last evaluated 2024-10-23.

Conditions:
Hereditary cancer-predisposing syndrome. Also called: Neoplastic Syndromes, Hereditary; Hereditary Cancer Syndrome; Hereditary neoplastic syndrome; Tumor predisposition. Identifiers: Orphanet 140162, MedGen C0027672, MeSH D009386, MONDO:0015356.
DICER1-related tumor predisposition. Also called: DICER1-related pleuropulmonary blastoma cancer predisposition syndrome; DICER1 syndrome. Identifiers: Orphanet 284343, MedGen C3839822, MONDO:0100216.

gnomAD v4.1: 1 of 1,613,444 alleles (0.000062%); highest among the groups gnomAD compares: Non-Finnish European, 0.000085%; no homozygotes.

Submissions (2):

Labcorp Genetics (formerly Invitae), Labcorp
Classification: Uncertain significance for DICER1-related tumor predisposition. Last evaluated: 2024-10-23. Review status: criteria provided, single submitter. Criteria: Invitae Variant Classification Sherloc (09022015). Collection method: clinical testing. Allele origin: germline.
Comment: This sequence change replaces valine, which is neutral and non-polar, with methionine, which is neutral and non-polar, at codon 173 of the DICER1 protein (p.Val173Met). This variant is not present in population databases (gnomAD no frequency). This variant has not been reported in the literature in individuals affected with DICER1-related conditions. ClinVar contains an entry for this variant (Variation ID: 825514). Invitae Evidence Modeling of protein sequence and biophysical properties (such as structural, functional, and spatial information, amino acid conservation, physicochemical variation, residue mobility, and thermodynamic stability) indicates that this missense variant is not expected to disrupt DICER1 protein function with a negative predictive value of 95%. In summary, the available evidence is currently insufficient to determine the role of this variant in disease. Therefore, it has been classified as a Variant of Uncertain Significance.

Ambry Genetics
Classification: Uncertain significance for Hereditary cancer-predisposing syndrome. Last evaluated: 2022-12-30. Review status: criteria provided, single submitter. Criteria: Ambry Variant Classification Scheme 2023. Collection method: clinical testing. Allele origin: germline.
Comment: The p.V173M variant (also known as c.517G>A), located in coding exon 4 of the DICER1 gene, results from a G to A substitution at nucleotide position 517. The valine at codon 173 is replaced by methionine, an amino acid with highly similar properties. This amino acid position is highly conserved in available vertebrate species. In addition, the in silico prediction for this alteration is inconclusive. Since supporting evidence is limited at this time, the clinical significance of this alteration remains unclear.

NM_177438.3(DICER1):c.517G>A (p.Val173Met)

Gene: DICER1 (dicer 1, ribonuclease III; minus strand). Cytogenetic location: 14q32.13.
Variant type: single nucleotide variant.
Coding change: c.517G>A on transcript NM_177438.3 (MANE Select); coding-DNA position 517, G replaced by A.
Protein change: p.Val173Met; replaces valine 173 with methionine.
Molecular consequence: missense variant.
Genome position (GRCh38, 1-based): chr14:95,130,114, C>T on the plus strand (G>A on the coding strand, the complement: DICER1 is on the minus strand). VCF-style: chr14-95130114-C-T. GRCh37 (hg19) VCF-style: chr14-95596451-C-T.
Other names: c.517G>A, p.Val173Met (NM_001195573.1, NM_001271282.3, NM_001291628.2 and 1 more transcripts); short protein forms V173M.
Identifiers: ClinVar variation 825514 (VCV000825514.15), dbSNP rs1054932577, ClinGen allele CA390888448.
Genomic context (GRCh38, chr14:95,130,114, plus strand): 5'-TTACCTTCATAATTTCTCGATAGGGGTGGTCTAGGATTGCAAGATGACACTCATCAAACA[C>T]CAAAAGGTTAATGTCTGACAGTGATAAGTAACCATTTTTCAAAACATTCAAGGCGACATA-3'
Protein context (NP_803187.1, residues 163-183): YLSLSDINLL[Val173Met]FDECHLAILD